The following is an entry in ClinVar:

NM_002474.3(MYH11):c.4045C>A (p.Gln1349Lys)

Genes: NDE1 (nudE neurodevelopment protein 1; plus strand), MYH11 (myosin heavy chain 11; minus strand). Cytogenetic location: 16p13.11.
Variant type: single nucleotide variant.
Coding change: c.4045C>A on transcript NM_002474.3 (MANE Select); coding-DNA position 4045, C replaced by A.
Protein change: p.Gln1349Lys; replaces glutamine 1349 with lysine.
Molecular consequence: missense variant. On other transcripts: 3 prime UTR variant (2).
Genome position (GRCh38, 1-based): chr16:15,724,718, G>T on the plus strand (C>A on the coding strand, the complement: MYH11 is on the minus strand). VCF-style: chr16-15724718-G-T. GRCh37 (hg19) VCF-style: chr16-15818575-G-T.
Other names: c.4066C>A, p.Gln1356Lys (NM_001040113.2, NM_001040114.2); c.4045C>A, p.Gln1349Lys (NM_022844.3); c.*467G>T (NM_001143979.2, NM_017668.3); short protein forms Q1349K, Q1356K.
Identifiers: ClinVar variation 3876291 (VCV003876291.1).
Genomic context (GRCh38, chr16:15,724,718, plus strand): 5'-GAGTGGAGATGTGGCGCTCCAGGTTCTGCTTGGCCTCCATCTCCTCGTCCAGCTGGTCTT[G>T]CAGGCTGTTCCGCTCCTCCTCCAGCTGGCGCAGCTTCGTAGACACGTTGAGCTTCTGCCG-3'
Protein context (NP_002465.1, residues 1339-1359): RQLEEERNSL[Gln1349Lys]DQLDEEMEAK

ClinVar aggregate classification (germline): Uncertain significance (1 of 4 stars; one submission).

Conditions:
Familial thoracic aortic aneurysm and aortic dissection (TAAD). Also called: Thoracic aortic aneurysms and dissections. Identifiers: Orphanet 91387, MedGen C4707243, MONDO:0019625.

Submission:

Ambry Genetics
Classification: Uncertain significance for Familial thoracic aortic aneurysm and aortic dissection. Last evaluated: 2024-12-21. Review status: criteria provided, single submitter. Criteria: Ambry Variant Classification Scheme 2023. Collection method: clinical testing. Allele origin: germline.
Comment: The p.Q1349K variant (also known as c.4045C>A), located in coding exon 29 of the MYH11 gene, results from a C to A substitution at nucleotide position 4045. The glutamine at codon 1349 is replaced by lysine, an amino acid with similar properties. This amino acid position is conserved. In addition, this alteration is predicted to be tolerated by in silico analysis. Based on the available evidence, the clinical significance of this variant remains unclear.